The following is an entry in ClinVar:

NM_198253.3(TERT):c.1120G>A (p.Gly374Arg)

Gene: TERT (telomerase reverse transcriptase; minus strand). Cytogenetic location: 5p15.33.
Variant type: single nucleotide variant.
Coding change: c.1120G>A on transcript NM_198253.3 (MANE Select); coding-DNA position 1120, G replaced by A.
Protein change: p.Gly374Arg; replaces glycine 374 with arginine.
Molecular consequence: missense variant. On other transcripts: non-coding transcript variant (2).
Genome position (GRCh38, 1-based): chr5:1,293,766, C>T on the plus strand (G>A on the coding strand, the complement: TERT is on the minus strand). VCF-style: chr5-1293766-C-T. GRCh37 (hg19) VCF-style: chr5-1293881-C-T.
Other names: c.1120G>A, p.Gly374Arg (NM_001193376.3, NM_003219.1); short protein forms G374R.
Identifiers: ClinVar variation 2454069 (VCV002454069.5), dbSNP rs2478414404, ClinGen allele CA359055450.
Genomic context (GRCh38, chr5:1,293,766, plus strand): 5'-GAAACAGGGGCCGCATTTGCCAGTAGCGCTGGGGCAGGCGGGGCAACCTGCGGGGAGTCC[C>T]TGGCATCCAGGGCCTGGAACCCAGAAAGATGGTCTCCACGAGCCTCCGAGCGCCAGTCAG-3'
Protein context (NP_937983.2, residues 364-384): IFLGSRPWMP[Gly374Arg]TPRRLPRLPQ

ClinVar aggregate classification (germline): Uncertain significance. Review status: criteria provided, multiple submitters, no conflicts (2 of 4 stars). 2 submissions from 2 submitters: Uncertain significance (2). Last evaluated 2022-12-16.

Conditions:
Dyskeratosis congenita, autosomal dominant 2. Identifiers: MedGen C3151443, MONDO:0013521, OMIM 613989.
Idiopathic Pulmonary Fibrosis. Also called: Idiopathic fibrosing alveolitis, chronic form; idiopathic fibrosing alveolitis. Identifiers: Orphanet 2032, MedGen C1800706, MeSH D054990, MONDO:0800504.
Dyskeratosis congenita. Identifiers: Orphanet 1775, MedGen C0265965, MONDO:0015780.

Submissions (2):

Labcorp Genetics (formerly Invitae), Labcorp
Classification: Uncertain significance for Dyskeratosis congenita, autosomal dominant 2; Idiopathic Pulmonary Fibrosis. Last evaluated: 2022-12-16. Review status: criteria provided, single submitter. Criteria: Invitae Variant Classification Sherloc (09022015). Collection method: clinical testing. Allele origin: germline.
Comment: In summary, the available evidence is currently insufficient to determine the role of this variant in disease. Therefore, it has been classified as a Variant of Uncertain Significance. Algorithms developed to predict the effect of missense changes on protein structure and function output the following: SIFT: "Tolerated"; PolyPhen-2: "Benign"; Align-GVGD: "Class C0". The arginine amino acid residue is found in multiple mammalian species, which suggests that this missense change does not adversely affect protein function. This variant has not been reported in the literature in individuals affected with TERT-related conditions. This variant is not present in population databases (gnomAD no frequency). This sequence change replaces glycine, which is neutral and non-polar, with arginine, which is basic and polar, at codon 374 of the TERT protein (p.Gly374Arg).

Ambry Genetics
Classification: Uncertain significance for Dyskeratosis congenita. Last evaluated: 2022-12-10. Review status: criteria provided, single submitter. Criteria: Ambry Variant Classification Scheme 2023. Collection method: clinical testing. Allele origin: germline.
Comment: The p.G374R variant (also known as c.1120G>A), located in coding exon 2 of the TERT gene, results from a G to A substitution at nucleotide position 1120. The glycine at codon 374 is replaced by arginine, an amino acid with dissimilar properties. This amino acid position is conserved. In addition, this alteration is predicted to be tolerated by in silico analysis. Since supporting evidence is limited at this time, the clinical significance of this alteration remains unclear.